The following is an entry in ClinVar:

ClinVar aggregate classification (germline): Uncertain significance (1 of 4 stars; one submission).

Allele frequency attached by ClinVar (database versions not stated): gnomAD exomes below 0.00001; ExAC 0.00001.
gnomAD v4.1: 1 of 1,614,192 alleles (0.000062%); highest among the groups gnomAD compares: South Asian, 0.0011%; no homozygotes.

Submission:

CeGaT Center for Human Genetics Tuebingen
Classification: Uncertain significance. Last evaluated: 2023-08-01. Review status: criteria provided, single submitter. Criteria: CeGaT Center For Human Genetics Tuebingen Variant Classification Criteria Version 2. Collection method: clinical testing. Allele origin: germline. Affected: yes. Observed: 1 variant allele.
Comment: KCNJ6: PP2, PP3

NM_002240.5(KCNJ6):c.398T>A (p.Val133Asp)

Genes: KCNJ6-AS1 (KCNJ6 antisense RNA 1; plus strand), KCNJ6 (potassium inwardly rectifying channel subfamily J member 6; minus strand). Cytogenetic location: 21q22.13.
Variant type: single nucleotide variant.
Coding change: c.398T>A on transcript NM_002240.5 (MANE Select); coding-DNA position 398, T replaced by A.
Protein change: p.Val133Asp; replaces valine 133 with aspartic acid.
Molecular consequence: missense variant. On other transcripts: non-coding transcript variant (1).
Genome position (GRCh38, 1-based): chr21:37,714,759, A>T on the plus strand (T>A on the coding strand, the complement: KCNJ6 is on the minus strand). VCF-style: chr21-37714759-A-T. GRCh37 (hg19) VCF-style: chr21-39087062-A-T.
Other names: short protein forms V133D.
Identifiers: ClinVar variation 2652661 (VCV002652661.24), dbSNP rs780429357, ClinGen allele CA10024321.